The following is an entry in ClinVar:

ClinVar aggregate classification (germline): Pathogenic (1 of 4 stars; one submission).

Submission:

Labcorp Genetics (formerly Invitae), Labcorp
Classification: Pathogenic. Last evaluated: 2024-12-12. Review status: criteria provided, single submitter. Criteria: Invitae Variant Classification Sherloc (09022015). Collection method: clinical testing. Allele origin: germline.
Comment: This sequence change creates a premature translational stop signal (p.Tyr1076*) in the ARID1B gene. It is expected to result in an absent or disrupted protein product. Loss-of-function variants in ARID1B are known to be pathogenic (PMID: 25674384, 30349098). This variant is not present in population databases (gnomAD no frequency). This premature translational stop signal has been observed in individual(s) with clinical features of ARID1B-related conditions (PMID: 37500730). For these reasons, this variant has been classified as Pathogenic.

Literature cited by the submitters: PubMed 25674384; PubMed 30349098; PubMed 37500730.

NM_001374828.1(ARID1B):c.3597C>A (p.Tyr1199Ter)

Gene: ARID1B (AT-rich interaction domain 1B; plus strand). Cytogenetic location: 6q25.3.
Variant type: single nucleotide variant.
Coding change: c.3597C>A on transcript NM_001374828.1 (MANE Select); coding-DNA position 3597, C replaced by A.
Protein change: p.Tyr1199Ter; replaces tyrosine 1199 with a stop codon.
Molecular consequence: nonsense.
Genome position (GRCh38, 1-based): chr6:157,181,061, C>A. VCF-style: chr6-157181061-C-A. GRCh37 (hg19) VCF-style: chr6-157502195-C-A.
Other names: c.1098C>A, p.Tyr366Ter (NM_001363725.2); c.3477C>A, p.Tyr1159Ter (NM_001371656.1, NM_001374820.1); c.3438C>A, p.Tyr1146Ter (NM_017519.3); short protein forms Y1159*, Y1146*, Y366*, Y1199*.
Identifiers: ClinVar variation 3727111 (VCV003727111.2).